The following is an entry in ClinVar:

ClinVar aggregate classification (germline): Pathogenic (1 of 4 stars; one submission).

Conditions:
VPS13A-related neurodegenerative disease. Also called: ACANTHOCYTOSIS WITH NEUROLOGIC DISORDER; LEVINE-CRITCHLEY SYNDROME; Choreoacanthocytosis; Chorea-acanthocytosis; Choreaacanthocytosis; VPS13A Disease. Identifiers: Orphanet 2388, MedGen C0393576, MONDO:0008695, OMIM 200150.

Submission:

Myriad Genetics, Inc.
Classification: Pathogenic for VPS13A-related neurodegenerative disease. Last evaluated: 2023-09-13. Review status: criteria provided, single submitter. Criteria: Myriad Autosomal Dominant, Autosomal Recessive and X-Linked Classification Criteria (2023). Collection method: clinical testing. Allele origin: unknown.
Comment: NM_033305.2(VPS13A):c.8096C>G(S2699*) is expected to be pathogenic in the context of VPS13A disease. This variant is predicted to lead to an abnormal or absent protein product due to the creation of a premature termination codon in VPS13A, a gene where loss-of-function variants are known to be pathogenic. Please note: this variant was assessed in the context of healthy population screening.

NM_033305.3(VPS13A):c.8096C>G (p.Ser2699Ter)

Gene: VPS13A (vacuolar protein sorting 13 homolog A; plus strand). Cytogenetic location: 9q21.2.
Variant type: single nucleotide variant.
Coding change: c.8096C>G on transcript NM_033305.3 (MANE Select); coding-DNA position 8096, C replaced by G.
Protein change: p.Ser2699Ter; replaces serine 2699 with a stop codon.
Molecular consequence: nonsense.
Genome position (GRCh38, 1-based): chr9:77,359,393, C>G. VCF-style: chr9-77359393-C-G. GRCh37 (hg19) VCF-style: chr9-79974309-C-G.
Other names: c.7979C>G, p.Ser2660Ter (NM_001018037.2); c.8096C>G, p.Ser2699Ter (NM_001018038.3, NM_015186.4); short protein forms S2660*, S2699*.
Identifiers: ClinVar variation 5011657 (VCV005011657.1).
Genomic context (GRCh38, chr9:77,359,393, plus strand): 5'-CACCAAAGCCCTTTACAGATGTCAGTATTGTCATGAGATCTGCAGGACATTCCCAGATAT[C>G]ACGTATTAAGTAAGTGTCTTAATACATTTCTTGTATATTTATTTAATGTTTGATTTAAAT-3'